The following is an entry in ClinVar:

NM_006059.4(LAMC3):c.2849G>A (p.Cys950Tyr)

Gene: LAMC3 (laminin subunit gamma 3; plus strand). Cytogenetic location: 9q34.12.
Variant type: single nucleotide variant.
Coding change: c.2849G>A on transcript NM_006059.4 (MANE Select); coding-DNA position 2849, G replaced by A.
Protein change: p.Cys950Tyr; replaces cysteine 950 with tyrosine.
Molecular consequence: missense variant.
Genome position (GRCh38, 1-based): chr9:131,069,009, G>A. VCF-style: chr9-131069009-G-A. GRCh37 (hg19) VCF-style: chr9-133944396-G-A.
Other names: short protein forms C950Y.
Identifiers: ClinVar variation 1442065 (VCV001442065.8), dbSNP rs1163285650, ClinGen allele CA375254955.

ClinVar aggregate classification (germline): Uncertain significance (1 of 4 stars; one submission).

Allele frequency attached by ClinVar (database versions not stated): gnomAD exomes below 0.00001 and 0.00001; TOPMed below 0.00001; gnomAD 0.00001.
gnomAD v4.1: 13 of 1,613,966 alleles (0.00081%); highest among the groups gnomAD compares: South Asian, 0.0011%; no homozygotes.

Submission:

Labcorp Genetics (formerly Invitae), Labcorp
Classification: Uncertain significance. Last evaluated: 2022-07-05. Review status: criteria provided, single submitter. Criteria: Invitae Variant Classification Sherloc (09022015). Collection method: clinical testing. Allele origin: germline.
Comment: This variant has not been reported in the literature in individuals affected with LAMC3-related conditions. ClinVar contains an entry for this variant (Variation ID: 1442065). Algorithms developed to predict the effect of missense changes on protein structure and function are either unavailable or do not agree on the potential impact of this missense change (SIFT: "Deleterious"; PolyPhen-2: "Probably Damaging"; Align-GVGD: "Class C0"). Algorithms developed to predict the effect of sequence changes on RNA splicing suggest that this variant may create or strengthen a splice site. In summary, the available evidence is currently insufficient to determine the role of this variant in disease. Therefore, it has been classified as a Variant of Uncertain Significance. This variant is present in population databases (no rsID available, gnomAD 0.0009%). This sequence change replaces cysteine, which is neutral and slightly polar, with tyrosine, which is neutral and polar, at codon 950 of the LAMC3 protein (p.Cys950Tyr).